The following is an entry in ClinVar:

ClinVar aggregate classification (germline): Conflicting classifications of pathogenicity. Review status: criteria provided, conflicting classifications (1 of 4 stars). 2 submissions from 2 submitters: Uncertain significance (1); Likely benign (1). Last evaluated 2025-07-22.

gnomAD v4.1: 15 of 1,533,996 alleles (0.00098%); highest among the groups gnomAD compares: Admixed American, 0.02%; 1 homozygote.

Submissions (2):

Labcorp Genetics (formerly Invitae), Labcorp
Classification: Uncertain significance. Last evaluated: 2025-07-22. Review status: criteria provided, single submitter. Criteria: Invitae Variant Classification Sherloc (09022015). Collection method: clinical testing. Allele origin: germline.
Comment: This sequence change falls in intron 11 of the CAPN5 gene. It does not directly change the encoded amino acid sequence of the CAPN5 protein. It affects a nucleotide within the consensus splice site. This variant is present in population databases (rs375702967, gnomAD 0.05%), including at least one homozygous and/or hemizygous individual. This variant has not been reported in the literature in individuals affected with CAPN5-related conditions. ClinVar contains an entry for this variant (Variation ID: 1053356). Variants that disrupt the consensus splice site are a relatively common cause of aberrant splicing (PMID: 17576681, 9536098). Algorithms developed to predict the effect of sequence changes on RNA splicing suggest that this variant may disrupt the consensus splice site. In summary, the available evidence is currently insufficient to determine the role of this variant in disease. Therefore, it has been classified as a Variant of Uncertain Significance.

Blueprint Genetics
Classification: Likely benign. Last evaluated: 2021-10-06. Review status: criteria provided, single submitter. Criteria: ACMG Guidelines, 2015. Collection method: clinical testing. Allele origin: germline.

Literature cited by the submitters: PubMed 17576681 (cited by Labcorp Genetics (formerly Invitae), Labcorp); PubMed 9536098 (cited by Labcorp Genetics (formerly Invitae), Labcorp).

NM_004055.5(CAPN5):c.1603+3G>T

Gene: CAPN5 (calpain 5; plus strand). Cytogenetic location: 11q13.5.
Variant type: single nucleotide variant.
Coding change: c.1603+3G>T on transcript NM_004055.5 (MANE Select); 3 bases into the intron after coding-DNA position 1603, G replaced by T.
Molecular consequence: intron variant.
Genome position (GRCh38, 1-based): chr11:77,122,052, G>T. VCF-style: chr11-77122052-G-T. GRCh37 (hg19) VCF-style: chr11-76833098-G-T.
Identifiers: ClinVar variation 1053356 (VCV001053356.8), dbSNP rs375702967, ClinGen allele CA6196844.
Genomic context (GRCh38, chr11:77,122,052, plus strand): 5'-CAGCTGGTGACCCAGGTACATGTCCTGGGAGCTGCTGGCCTCAAGGACTCCCCAACAGGT[G>T]AGCTCTCCCAGGGAGAGTCCCCCGGCCCTCCTGCCAGTTGTCCCATGGCCTCTCTCCACC-3'